The following is an entry in ClinVar:

ClinVar aggregate classification (germline): Uncertain significance (1 of 4 stars; one submission).

Conditions:
POLD1-related polyposis and colorectal cancer syndrome (CRCS10). Also called: Colorectal cancer 10; COLORECTAL CANCER, SUSCEPTIBILITY TO, ON CHROMOSOME 19q; Colorectal cancer, susceptibility to, 10. Identifiers: Orphanet 220460, MedGen C2675481, MONDO:0012953, OMIM 612591.

Submission:

Labcorp Genetics (formerly Invitae), Labcorp
Classification: Uncertain significance for POLD1-related polyposis and colorectal cancer syndrome. Last evaluated: 2020-12-01. Review status: criteria provided, single submitter. Criteria: Invitae Variant Classification Sherloc (09022015). Collection method: clinical testing. Allele origin: germline.
Comment: Missense variants that disrupt the 3'-5' exonuclease (proof-reading) activity of the POLD1 protein, are associated with an increased risk for colonic adenomatous polyps and colon cancer (PMID: 23263490, 23447401). However loss-of-function variants, which result in an absent or severely disrupted POLD1 protein, and missense variants outside the exonuclease domain, are unlikely to be associated with polyposis or colon cancer. Without further clinical and genetic evidence, this variant has been classified as a Variant of Uncertain Significance. This variant has not been reported in the literature in individuals with POLD1-related conditions. The frequency data for this variant in the population databases is considered unreliable, as metrics indicate insufficient coverage at this position in the ExAC database. This sequence change affects an acceptor splice site in intron 23 of the POLD1 gene. It is expected to disrupt RNA splicing.

Literature cited by the submitters: PubMed 23263490; PubMed 23447401.

NM_002691.4(POLD1):c.2954-1G>T

Gene: POLD1 (DNA polymerase delta 1, catalytic subunit; plus strand). Cytogenetic location: 19q13.33.
Variant type: single nucleotide variant.
Coding change: c.2954-1G>T on transcript NM_002691.4 (MANE Select); the canonical splice acceptor site of the intron before coding-DNA position 2954, G replaced by T.
Molecular consequence: splice acceptor variant.
Genome position (GRCh38, 1-based): chr19:50,416,609, G>T. VCF-style: chr19-50416609-G-T. GRCh37 (hg19) VCF-style: chr19-50919866-G-T.
Other names: c.2954-1G>T (NM_001256849.1); c.3032-1G>T (NM_001308632.1).
Identifiers: ClinVar variation 1504792 (VCV001504792.6), dbSNP rs1601247230, ClinGen allele CA406986762.